The following is an entry in ClinVar:

NM_002772.3(TMPRSS15):c.1199C>A (p.Pro400Gln)

Gene: TMPRSS15 (transmembrane serine protease 15; minus strand). Cytogenetic location: 21q21.1.
Variant type: single nucleotide variant.
Coding change: c.1199C>A on transcript NM_002772.3 (MANE Select); coding-DNA position 1199, C replaced by A.
Protein change: p.Pro400Gln; replaces proline 400 with glutamine.
Molecular consequence: missense variant.
Genome position (GRCh38, 1-based): chr21:18,344,033, G>T on the plus strand (C>A on the coding strand, the complement: TMPRSS15 is on the minus strand). VCF-style: chr21-18344033-G-T. GRCh37 (hg19) VCF-style: chr21-19716350-G-T.
Other names: short protein forms P400Q.
Identifiers: ClinVar variation 2094660 (VCV002094660.2), dbSNP rs953907036, ClinGen allele CA318130963.
Genomic context (GRCh38, chr21:18,344,033, plus strand): 5'-GGCTCCAAAGTGGGGTCCAAAGGGAGGCTTAAAAGCCCCACTCGTTCTTGTCTCCCTCCT[G>T]GTCCAGTTGGGGTAGAAATGTAAAATCCTGTAAAAATATCAAAAAAAATTTATTTCACTT-3'
Protein context (NP_002763.3, residues 390-410): SGFYISTPTG[Pro400Gln]GGRQERVGLL

ClinVar aggregate classification (germline): Uncertain significance. Review status: criteria provided, multiple submitters, no conflicts (2 of 4 stars). 2 submissions from 2 submitters: Uncertain significance (2). Last evaluated 2022-07-15.

Allele frequency attached by ClinVar (database versions not stated): TOPMed below 0.00001; gnomAD exomes 0.00001.
gnomAD v4.1: 16 of 1,613,756 alleles (0.00099%); highest among the groups gnomAD compares: Non-Finnish European, 0.0014%; no homozygotes.

Submissions (2):

Labcorp Genetics (formerly Invitae), Labcorp
Classification: Uncertain significance. Last evaluated: 2022-07-15. Review status: criteria provided, single submitter. Criteria: Invitae Variant Classification Sherloc (09022015). Collection method: clinical testing. Allele origin: germline.
Comment: This sequence change replaces proline, which is neutral and non-polar, with glutamine, which is neutral and polar, at codon 400 of the TMPRSS15 protein (p.Pro400Gln). This variant is present in population databases (no rsID available, gnomAD 0.007%). This variant has not been reported in the literature in individuals affected with TMPRSS15-related conditions. Algorithms developed to predict the effect of missense changes on protein structure and function output the following: SIFT: "Not Available"; PolyPhen-2: "Benign"; Align-GVGD: "Not Available". The glutamine amino acid residue is found in multiple mammalian species, which suggests that this missense change does not adversely affect protein function. In summary, the available evidence is currently insufficient to determine the role of this variant in disease. Therefore, it has been classified as a Variant of Uncertain Significance.

Ambry Genetics
Classification: Uncertain significance. Last evaluated: 2021-11-29. Review status: criteria provided, single submitter. Criteria: Ambry Variant Classification Scheme 2023. Collection method: clinical testing. Allele origin: germline.